The following is an entry in ClinVar:

NM_006343.3(MERTK):c.1084A>C (p.Met362Leu)

Genes: MERTK (MER proto-oncogene, tyrosine kinase; plus strand), LOC112806037 (Sharpr-MPRA regulatory region 3720; plus strand). Cytogenetic location: 2q13.
Variant type: single nucleotide variant.
Coding change: c.1084A>C on transcript NM_006343.3 (MANE Select); coding-DNA position 1084, A replaced by C.
Protein change: p.Met362Leu; replaces methionine 362 with leucine.
Molecular consequence: missense variant.
Genome position (GRCh38, 1-based): chr2:111,975,412, A>C. VCF-style: chr2-111975412-A-C. GRCh37 (hg19) VCF-style: chr2-112732989-A-C.
Other names: short protein forms M362L.
Identifiers: ClinVar variation 863834 (VCV000863834.5), dbSNP rs151145412, ClinGen allele CA1831267.

ClinVar aggregate classification (germline): Uncertain significance. Review status: criteria provided, multiple submitters, no conflicts (2 of 4 stars). 3 submissions from 3 submitters: Uncertain significance (3). Last evaluated 2024-10-03.

Conditions:
Inborn genetic diseases. Identifiers: MedGen C0950123, MeSH D030342.

Allele frequency attached by ClinVar (database versions not stated): ExAC 0.00002; gnomAD exomes 0.00002 and 0.00007; gnomAD 0.00006; TOPMed 0.00006; ESP Exome Variant Server 0.00008.
gnomAD v4.1: 106 of 1,614,112 alleles (0.0066%); highest among the groups gnomAD compares: Non-Finnish European, 0.0085%; no homozygotes.

Submissions (3):

Blueprint Genetics
Classification: Uncertain significance. Last evaluated: 2024-10-03. Review status: criteria provided, single submitter. Criteria: ACMG Guidelines, 2015. Collection method: clinical testing. Allele origin: germline.

Ambry Genetics
Classification: Uncertain significance for Inborn genetic diseases. Last evaluated: 2024-05-24. Review status: criteria provided, single submitter. Criteria: Ambry Variant Classification Scheme 2023. Collection method: clinical testing. Allele origin: germline.

Labcorp Genetics (formerly Invitae), Labcorp
Classification: Uncertain significance. Last evaluated: 2022-07-16. Review status: criteria provided, single submitter. Criteria: Invitae Variant Classification Sherloc (09022015). Collection method: clinical testing. Allele origin: germline.
Comment: This sequence change replaces methionine, which is neutral and non-polar, with leucine, which is neutral and non-polar, at codon 362 of the MERTK protein (p.Met362Leu). This variant is present in population databases (rs151145412, gnomAD 0.004%). This variant has not been reported in the literature in individuals affected with MERTK-related conditions. ClinVar contains an entry for this variant (Variation ID: 863834). Algorithms developed to predict the effect of missense changes on protein structure and function (SIFT, PolyPhen-2, Align-GVGD) all suggest that this variant is likely to be tolerated. In summary, the available evidence is currently insufficient to determine the role of this variant in disease. Therefore, it has been classified as a Variant of Uncertain Significance.